The following is an entry in ClinVar:

NM_001943.5(DSG2):c.2710C>G (p.Gln904Glu)

Genes: DSG2 (desmoglein 2; plus strand), DSG2-AS1 (DSG2 antisense RNA 1; minus strand). Cytogenetic location: 18q12.1.
Variant type: single nucleotide variant.
Coding change: c.2710C>G on transcript NM_001943.5 (MANE Select); coding-DNA position 2710, C replaced by G.
Protein change: p.Gln904Glu; replaces glutamine 904 with glutamic acid.
Molecular consequence: missense variant.
Genome position (GRCh38, 1-based): chr18:31,546,096, C>G. VCF-style: chr18-31546096-C-G. GRCh37 (hg19) VCF-style: chr18-29126059-C-G.
Other names: short protein forms Q904E.
Identifiers: ClinVar variation 863793 (VCV000863793.55), dbSNP rs372335085, ClinGen allele CA046908.

ClinVar aggregate classification (germline): Uncertain significance. Review status: criteria provided, multiple submitters, no conflicts (2 of 4 stars). 5 submissions from 5 submitters: Uncertain significance (5). Last evaluated 2024-11-17.

Conditions:
Arrhythmogenic right ventricular cardiomyopathy (ARVD). Also called: Cardiomyopathy, ARVC; Arrhythmogenic right ventricular dysplasia; Arrhythmogenic cardiomyopathy; Arrhythmogenic Right Ventricular Cardiomyopathy (ARVC). Identifiers: Orphanet 247, MedGen C0349788, MeSH D019571, MONDO:0016587. Disease mechanism: loss of function. Inheritance: Various modes of inheritance.
Arrhythmogenic right ventricular dysplasia 10. Also called: ARRHYTHMOGENIC RIGHT VENTRICULAR DYSPLASIA, FAMILIAL, 10; Arrhythmogenic right ventricular dysplasia/cardiomyopathy, type 10; Arrhythmogenic Right Ventricular Dysplasia/Cardiomyopathy10. Identifiers: MedGen C1857777, MONDO:0012434, OMIM 610193.
Cardiomyopathy (CMYO). Also called: Cardiomyopathies. Identifiers: Orphanet 167848, MedGen C0878544, MONDO:0004994, HP:0001638. Inheritance: Various modes of inheritance.
Cardiovascular phenotype. Identifiers: MedGen CN230736.

Allele frequency attached by ClinVar (database versions not stated): gnomAD 0.00001; TOPMed 0.00001; ExAC 0.00002; ESP Exome Variant Server 0.00008.
gnomAD v4.1: 7 of 1,614,028 alleles (0.00043%); highest among the groups gnomAD compares: Non-Finnish European, 0.00059%; no homozygotes.

Submissions (5):

Ambry Genetics
Classification: Uncertain significance for Cardiovascular phenotype. Last evaluated: 2024-11-17. Review status: criteria provided, single submitter. Criteria: Ambry Variant Classification Scheme 2023. Collection method: clinical testing. Allele origin: germline.
Comment: The p.Q904E variant (also known as c.2710C>G), located in coding exon 15 of the DSG2 gene, results from a C to G substitution at nucleotide position 2710. The glutamine at codon 904 is replaced by glutamic acid, an amino acid with highly similar properties. This amino acid position is conserved. In addition, this alteration is predicted to be tolerated by in silico analysis. Based on the available evidence, the clinical significance of this variant remains unclear.

All of Us Research Program, National Institutes of Health
Classification: Uncertain significance for Arrhythmogenic right ventricular cardiomyopathy. Last evaluated: 2024-06-11. Review status: criteria provided, single submitter. Criteria: ACMG Guidelines, 2015. Collection method: clinical testing. Allele origin: germline. Inheritance: Autosomal dominant inheritance. Observed: 3 variant alleles, 3 heterozygotes.
Comment: Variant of Uncertain Significance due to insufficient evidence: This missense variant replaces glutamine with glutamic acid at codon 904 of the DSG2 protein. Computational prediction tools and conservation analyses are inconclusive regarding the impact of this variant on the protein function. Computational splicing tools suggest that this variant may not impact RNA splicing. To our knowledge, functional assays have not been performed for this variant nor has this variant been reported in individuals affected with cardiovascular disorders in the literature. This variant has been identified in 2/245680 chromosomes in the general population by the Genome Aggregation Database (gnomAD). Available evidence is insufficient to determine the role of this variant in disease conclusively.

This study involves interpretation of variants in research participants for the purpose of population health screening. Participant phenotype was not available at the time of variant classification. Additional details can be found in publication PMID: 35346344, PMCID: PMC8962531

Color Diagnostics, LLC DBA Color Health
Classification: Uncertain significance for Cardiomyopathy. Last evaluated: 2024-03-06. Review status: criteria provided, single submitter. Criteria: ACMG Guidelines, 2015. Collection method: clinical testing. Allele origin: germline.
Comment: This missense variant replaces glutamine with glutamic acid at codon 904 of the DSG2 protein. Computational prediction suggests that this variant may not impact protein structure and function (internally defined REVEL score threshold <= 0.5, PMID: 27666373). To our knowledge, functional studies have not been reported for this variant. This variant has not been reported in individuals affected with cardiovascular disorders in the literature. This variant has been identified in 1/249024 chromosomes in the general population by the Genome Aggregation Database (gnomAD). The available evidence is insufficient to determine the role of this variant in disease conclusively. Therefore, this variant is classified as a Variant of Uncertain Significance.

Labcorp Genetics (formerly Invitae), Labcorp
Classification: Uncertain significance for Arrhythmogenic right ventricular dysplasia 10. Last evaluated: 2023-10-04. Review status: criteria provided, single submitter. Criteria: Invitae Variant Classification Sherloc (09022015). Collection method: clinical testing. Allele origin: germline.
Comment: This sequence change replaces glutamine, which is neutral and polar, with glutamic acid, which is acidic and polar, at codon 904 of the DSG2 protein (p.Gln904Glu). This variant is present in population databases (rs372335085, gnomAD 0.002%). This variant has not been reported in the literature in individuals affected with DSG2-related conditions. ClinVar contains an entry for this variant (Variation ID: 863793). Advanced modeling of protein sequence and biophysical properties (such as structural, functional, and spatial information, amino acid conservation, physicochemical variation, residue mobility, and thermodynamic stability) performed at Invitae indicates that this missense variant is not expected to disrupt DSG2 protein function. In summary, the available evidence is currently insufficient to determine the role of this variant in disease. Therefore, it has been classified as a Variant of Uncertain Significance.

CeGaT Center for Human Genetics Tuebingen
Classification: Uncertain significance. Last evaluated: 2020-05-01. Review status: criteria provided, single submitter. Criteria: CeGaT Center For Human Genetics Tuebingen Variant Classification Criteria Version 2. Collection method: clinical testing. Allele origin: germline. Affected: yes. Observed: 3 variant alleles.